The following is an entry in ClinVar:

ClinVar aggregate classification (germline): Uncertain significance (1 of 4 stars; one submission).

Conditions:
Hereditary cancer-predisposing syndrome. Also called: Hereditary Cancer Syndrome; Hereditary neoplastic syndrome; Neoplastic Syndromes, Hereditary; Tumor predisposition. Identifiers: Orphanet 140162, MedGen C0027672, MeSH D009386, MONDO:0015356.

Submission:

Ambry Genetics
Classification: Uncertain significance for Hereditary cancer-predisposing syndrome. Last evaluated: 2022-06-13. Review status: criteria provided, single submitter. Criteria: Ambry Variant Classification Scheme 2023. Collection method: clinical testing. Allele origin: germline.
Comment: The p.K498N variant (also known as c.1494G>T), located in coding exon 4 of the MSH6 gene, results from a G to T substitution at nucleotide position 1494. The lysine at codon 498 is replaced by asparagine, an amino acid with similar properties. This amino acid position is conserved. In addition, this alteration is predicted to be tolerated by in silico analysis. Since supporting evidence is limited at this time, the clinical significance of this alteration remains unclear.

NM_000179.3(MSH6):c.1494G>T (p.Lys498Asn)

Gene: MSH6 (mutS homolog 6; plus strand). Cytogenetic location: 2p16.3.
Variant type: single nucleotide variant.
Coding change: c.1494G>T on transcript NM_000179.3 (MANE Select); coding-DNA position 1494, G replaced by T.
Protein change: p.Lys498Asn; replaces lysine 498 with asparagine.
Molecular consequence: missense variant.
Genome position (GRCh38, 1-based): chr2:47,799,477, G>T. VCF-style: chr2-47799477-G-T. GRCh37 (hg19) VCF-style: chr2-48026616-G-T.
Other names: c.1104G>T, p.Lys368Asn (NM_001281492.2); c.588G>T, p.Lys196Asn (NM_001281493.2, NM_001281494.2, NM_001406811.1 and 6 more transcripts); c.1590G>T, p.Lys530Asn (NM_001406795.1, NM_001406802.1); c.1494G>T, p.Lys498Asn (NM_001406796.1, NM_001406798.1, NM_001406800.1 and 4 more transcripts); c.1197G>T, p.Lys399Asn (NM_001406797.1, NM_001406801.1, NM_001406805.1 and 10 more transcripts); c.969G>T, p.Lys323Asn (NM_001406799.1, NM_001406806.1, NM_001406807.1); c.1416G>T, p.Lys472Asn (NM_001406804.1); c.1500G>T, p.Lys500Asn (NM_001406813.1); and 1 more; short protein forms K399N, K500N, K323N, K368N, K472N, K530N, K442N, K196N.
Identifiers: ClinVar variation 1773857 (VCV001773857.2), dbSNP rs1572723194, ClinGen allele CA346746139.